The following is an entry in ClinVar:

NM_001370259.2(MEN1):c.125G>C (p.Gly42Ala)

Gene: MEN1 (menin 1; minus strand). Cytogenetic location: 11q13.1.
Variant type: single nucleotide variant.
Coding change: c.125G>C on transcript NM_001370259.2 (MANE Select); coding-DNA position 125, G replaced by C.
Protein change: p.Gly42Ala; replaces glycine 42 with alanine.
Molecular consequence: missense variant.
Genome position (GRCh38, 1-based): chr11:64,809,985, C>G on the plus strand (G>C on the coding strand, the complement: MEN1 is on the minus strand). VCF-style: chr11-64809985-C-G. GRCh37 (hg19) VCF-style: chr11-64577457-C-G.
Other names: c.125G>C, p.Gly42Ala (NM_130799.3, NM_130800.3, NM_130801.3 and 9 more transcripts); short protein forms G42A.
Identifiers: ClinVar variation 648226 (VCV000648226.10), dbSNP rs1565652689, ClinGen allele CA381187883.

ClinVar aggregate classification (germline): Pathogenic (1 of 4 stars; one submission).

Conditions:
Multiple endocrine neoplasia, type 1 (MEN1). Also called: Endocrine adenomatosis multiple; MEN 1; MEA I; MEN I; WERMER SYNDROME. Identifiers: Orphanet 652, MedGen C0025267, MeSH D018761, MONDO:0007540, OMIM 131100.

Submission:

Labcorp Genetics (formerly Invitae), Labcorp
Classification: Pathogenic for Multiple endocrine neoplasia, type 1. Last evaluated: 2025-04-14. Review status: criteria provided, single submitter. Criteria: Invitae Variant Classification Sherloc (09022015). Collection method: clinical testing. Allele origin: germline.
Comment: This sequence change replaces glycine, which is neutral and non-polar, with alanine, which is neutral and non-polar, at codon 42 of the MEN1 protein (p.Gly42Ala). This variant is not present in population databases (gnomAD no frequency). This missense change has been observed in individual(s) with MEN1-related conditions (PMID: 11303512; internal data). In at least one individual the variant was observed to be de novo. ClinVar contains an entry for this variant (Variation ID: 648226). Invitae Evidence Modeling of protein sequence and biophysical properties (such as structural, functional, and spatial information, amino acid conservation, physicochemical variation, residue mobility, and thermodynamic stability) indicates that this missense variant is expected to disrupt MEN1 protein function with a positive predictive value of 95%. This variant disrupts the p.Gly42 amino acid residue in MEN1. Other variant(s) that disrupt this residue have been observed in individuals with MEN1-related conditions (PMID: 9463336, 28203045, 29066490), which suggests that this may be a clinically significant amino acid residue. For these reasons, this variant has been classified as Pathogenic.

Literature cited by the submitters: PubMed 11303512; PubMed 9463336; PubMed 28203045; PubMed 29066490.